The following is an entry in ClinVar:

NM_004260.4(RECQL4):c.1099C>G (p.Arg367Gly)

Gene: RECQL4 (RecQ like helicase 4; minus strand). Cytogenetic location: 8q24.3.
Variant type: single nucleotide variant.
Coding change: c.1099C>G on transcript NM_004260.4 (MANE Select); coding-DNA position 1099, C replaced by G.
Protein change: p.Arg367Gly; replaces arginine 367 with glycine.
Molecular consequence: missense variant.
Genome position (GRCh38, 1-based): chr8:144,516,020, G>C on the plus strand (C>G on the coding strand, the complement: RECQL4 is on the minus strand). VCF-style: chr8-144516020-G-C. GRCh37 (hg19) VCF-style: chr8-145741404-G-C.
Other names: short protein forms R367G.
Identifiers: ClinVar variation 406977 (VCV000406977.9), dbSNP rs531175632, ClinGen allele CA16612397.

ClinVar aggregate classification (germline): Uncertain significance. Review status: criteria provided, multiple submitters, no conflicts (2 of 4 stars). 2 submissions from 2 submitters: Uncertain significance (2). Last evaluated 2025-05-12.

Conditions:
Inborn genetic diseases. Identifiers: MedGen C0950123, MeSH D030342.
Baller-Gerold syndrome (BGS). Also called: CRANIOSYNOSTOSIS WITH RADIAL DEFECTS. Identifiers: Orphanet 1225, MedGen C0265308, MONDO:0009039, OMIM 218600.

Allele frequency attached by ClinVar (database versions not stated): TOPMed 0.00001.
gnomAD v4.1: 14 of 1,610,382 alleles (0.00087%); highest among the groups gnomAD compares: Non-Finnish European, 0.0012%; no homozygotes.

Submissions (2):

Labcorp Genetics (formerly Invitae), Labcorp
Classification: Uncertain significance for Baller-Gerold syndrome. Last evaluated: 2025-05-12. Review status: criteria provided, single submitter. Criteria: Invitae Variant Classification Sherloc (09022015). Collection method: clinical testing. Allele origin: germline.
Comment: This sequence change replaces arginine, which is basic and polar, with glycine, which is neutral and non-polar, at codon 367 of the RECQL4 protein (p.Arg367Gly). This variant is present in population databases (no rsID available, gnomAD 0.0009%). This variant has not been reported in the literature in individuals affected with RECQL4-related conditions. ClinVar contains an entry for this variant (Variation ID: 406977). Invitae Evidence Modeling of protein sequence and biophysical properties (such as structural, functional, and spatial information, amino acid conservation, physicochemical variation, residue mobility, and thermodynamic stability) indicates that this missense variant is not expected to disrupt RECQL4 protein function with a negative predictive value of 80%. In summary, the available evidence is currently insufficient to determine the role of this variant in disease. Therefore, it has been classified as a Variant of Uncertain Significance.

Ambry Genetics
Classification: Uncertain significance for Inborn genetic diseases. Last evaluated: 2024-12-12. Review status: criteria provided, single submitter. Criteria: Ambry Variant Classification Scheme 2023. Collection method: clinical testing. Allele origin: germline.
Comment: The p.R367G variant (also known as c.1099C>G), located in coding exon 5 of the RECQL4 gene, results from a C to G substitution at nucleotide position 1099. The arginine at codon 367 is replaced by glycine, an amino acid with dissimilar properties. This amino acid position is conserved. In addition, this alteration is predicted to be tolerated by in silico analysis. Based on the available evidence, the clinical significance of this variant remains unclear.